The following is an entry in ClinVar:

NM_001369.3(DNAH5):c.1693_1694insGCAGG (p.Thr565fs)

Gene: DNAH5 (dynein axonemal heavy chain 5; minus strand). Cytogenetic location: 5p15.2.
Variant type: Insertion.
Coding change: c.1693_1694insGCAGG on transcript NM_001369.3 (MANE Select); coding-DNA positions 1693 to 1694, GCAGG inserted.
Protein change: p.Thr565fs; shifts the reading frame from threonine 565.
Molecular consequence: frameshift variant.
Genome position: GRCh38 VCF-style: chr5-13902089-G-GCCTGC. GRCh37 (hg19) VCF-style: chr5-13902198-G-GCCTGC.
Other names: short protein forms T565fs.
Identifiers: ClinVar variation 1724117 (VCV001724117.2), dbSNP rs2547094911, ClinGen allele CA2580072092.

ClinVar aggregate classification (germline): Likely pathogenic (1 of 4 stars; one submission).

Conditions:
Primary ciliary dyskinesia 3. Identifiers: Orphanet 244, MedGen C1837618, MONDO:0012085, OMIM 608644.

Submission:

Myriad Genetics, Inc.
Classification: Likely pathogenic for Primary ciliary dyskinesia 3. Last evaluated: 2022-01-25. Review status: criteria provided, single submitter. Criteria: Myriad Women's Health Autosomal Recessive and X-Linked Classification Criteria (2021). Collection method: clinical testing. Allele origin: unknown.
Comment: NM_001369.2(DNAH5):c.1693_1694ins5(T565Sfs*7) is expected to be pathogenic in the context of DNAH5-related primary ciliary dyskinesia. This variant is predicted to lead to an abnormal or absent protein product due to the creation of a premature termination codon in DNAH5, a gene where loss-of-function variants are known to be pathogenic. Please note: this variant was assessed in the context of healthy population screening.